The following is an entry in ClinVar:

NM_130466.4(UBE3B):c.1034G>A (p.Cys345Tyr)

Gene: UBE3B (ubiquitin protein ligase E3B; plus strand). Cytogenetic location: 12q24.11.
Variant type: single nucleotide variant.
Coding change: c.1034G>A on transcript NM_130466.4 (MANE Select); coding-DNA position 1034, G replaced by A.
Protein change: p.Cys345Tyr; replaces cysteine 345 with tyrosine.
Molecular consequence: missense variant.
Genome position (GRCh38, 1-based): chr12:109,499,726, G>A. VCF-style: chr12-109499726-G-A. GRCh37 (hg19) VCF-style: chr12-109937531-G-A.
Other names: c.1034G>A (NM_130466.2); c.1034G>A, p.Cys345Tyr (NM_183415.3); short protein forms C345Y.
Identifiers: ClinVar variation 1956094 (VCV001956094.4), dbSNP rs754140991, ClinGen allele CA386634758.

ClinVar aggregate classification (germline): Uncertain significance. Review status: criteria provided, multiple submitters, no conflicts (2 of 4 stars). 3 submissions from 3 submitters: Uncertain significance (3). Last evaluated 2025-05-30.

Conditions:
Inborn genetic diseases. Identifiers: MedGen C0950123, MeSH D030342.

gnomAD v4.1: 1 of 1,613,630 alleles (0.000062%); highest among the groups gnomAD compares: Non-Finnish European, 0.000085%; no homozygotes.

Submissions (3):

Greenwood Genetic Center Diagnostic Laboratories, Greenwood Genetic Center
Classification: Uncertain significance. Last evaluated: 2025-05-30. Review status: criteria provided, single submitter. Criteria: ACMG Guidelines, 2015. Collection method: clinical testing. Allele origin: germline. Affected: yes.
Comment: PM2

Ambry Genetics
Classification: Uncertain significance for Inborn genetic diseases. Last evaluated: 2025-04-14. Review status: criteria provided, single submitter. Criteria: Ambry Variant Classification Scheme 2023. Collection method: clinical testing. Allele origin: germline.

Labcorp Genetics (formerly Invitae), Labcorp
Classification: Uncertain significance. Last evaluated: 2022-06-14. Review status: criteria provided, single submitter. Criteria: Invitae Variant Classification Sherloc (09022015). Collection method: clinical testing. Allele origin: germline.
Comment: This sequence change replaces cysteine, which is neutral and slightly polar, with tyrosine, which is neutral and polar, at codon 345 of the UBE3B protein (p.Cys345Tyr). This variant is not present in population databases (gnomAD no frequency). This variant has not been reported in the literature in individuals affected with UBE3B-related conditions. Algorithms developed to predict the effect of missense changes on protein structure and function are either unavailable or do not agree on the potential impact of this missense change (SIFT: "Tolerated"; PolyPhen-2: "Probably Damaging"; Align-GVGD: "Class C0"). In summary, the available evidence is currently insufficient to determine the role of this variant in disease. Therefore, it has been classified as a Variant of Uncertain Significance.